The following is an entry in ClinVar:

NM_001267550.2(TTN):c.88679ATG[1] (p.Asp29561del)

Genes: TTN (titin; minus strand), TTN-AS1 (TTN antisense RNA 1; plus strand). Cytogenetic location: 2q31.2.
Variant type: Microsatellite.
Coding change: c.88679ATG[1] on transcript NM_001267550.2 (MANE Select); one copy of the 3-base unit ATG starting at c.88679; the reference has two copies in a row; one copy, 3 bases deleted.
Protein change: p.Asp29561del; deletes aspartic acid 29561.
Molecular consequence: inframe deletion.
Genome position (GRCh38, 1-based): chr2:178,554,663-178,554,665, CAT deleted on the plus strand (ATG on the coding strand, the reverse complement: TTN is on the minus strand); deleting any 3 consecutive bases within chr2:178,554,663-178,554,670 gives the same sequence; the position shown is the placement nearest the transcript's 3' end. VCF-style (leftmost placement, unchanged base first): chr2-178554662-CCAT-C. GRCh37 (hg19) VCF-style: chr2-179419389-CCAT-C.
Other names: c.83756ATG[1], p.Asp27920del (NM_001256850.1); c.61484ATG[1], p.Asp20496del (NM_003319.4); c.80975ATG[1], p.Asp26993del (NM_133378.4); c.61859ATG[1], p.Asp20621del (NM_133432.3); c.62060ATG[1], p.Asp20688del (NM_133437.4); c.61487_61489delATG (NM_003319.4); short protein forms D20496del, D29561del, D20688del, D26993del, D27920del, D20621del.
Identifiers: ClinVar variation 519108 (VCV000519108.5), dbSNP rs1553546485, ClinGen allele CA658795974.

ClinVar aggregate classification (germline): Uncertain significance (1 of 4 stars; one submission).

Conditions:
Cardiovascular phenotype. Identifiers: MedGen CN230736.

Submission:

Ambry Genetics
Classification: Uncertain significance for Cardiovascular phenotype. Last evaluated: 2016-09-10. Review status: criteria provided, single submitter. Criteria: Ambry Variant Classification Scheme 2023. Collection method: clinical testing. Allele origin: germline.
Comment: The c.61487_61489delATG variant (also known as p.D20496del) is located in coding exon 159 of the TTN gene. This variant results from an in-frame ATG deletion at positions 61487 to 61489. This results in the deletion of an aspartic acid residue at codon 20496, and is located in the A-band region of the N2-B isoform of the titin protein. This variant was not reported in population based cohorts in the following databases: Database of Single Nucleotide Polymorphisms (dbSNP), NHLBI Exome Sequencing Project (ESP), and 1000 Genomes Project. In the ESP, this variant was not observed in 6189 samples (12378 alleles) with coverage at this position. This amino acid position is well conserved in available vertebrate species. Since supporting evidence is limited at this time, the clinical significance of this alteration remains unclear.